The following is an entry in ClinVar:

ClinVar aggregate classification (germline): Uncertain significance (1 of 4 stars; one submission).

Conditions:
Myofibrillar myopathy 4. Also called: Zaspopathy (type). Identifiers: Orphanet 98912, MedGen C4721886, MONDO:0012277, OMIM 609452.

gnomAD v4.1: 6 of 1,614,042 alleles (0.00037%); highest among the groups gnomAD compares: Non-Finnish European, 0.00051%; no homozygotes.

Submission:

Labcorp Genetics (formerly Invitae), Labcorp
Classification: Uncertain significance for Myofibrillar myopathy 4. Last evaluated: 2020-02-27. Review status: criteria provided, single submitter. Criteria: Invitae Variant Classification Sherloc (09022015). Collection method: clinical testing. Allele origin: germline.
Comment: This sequence change replaces phenylalanine with isoleucine at codon 122 of the LDB3 protein (p.Phe122Ile). The phenylalanine residue is weakly conserved and there is a small physicochemical difference between phenylalanine and isoleucine. This variant is not present in population databases (ExAC no frequency). This variant has not been reported in the literature in individuals with LDB3-related conditions. Algorithms developed to predict the effect of missense changes on protein structure and function (SIFT, PolyPhen-2, Align-GVGD) all suggest that this variant is likely to be tolerated, but these predictions have not been confirmed by published functional studies and their clinical significance is uncertain. In summary, the available evidence is currently insufficient to determine the role of this variant in disease. Therefore, it has been classified as a Variant of Uncertain Significance.

NM_001368067.1(LDB3):c.364T>A (p.Phe122Ile)

Genes: LDB3 (LIM domain binding 3; plus strand), LOC110121486 (VISTA enhancer hs2143; plus strand). Cytogenetic location: 10q23.2.
Variant type: single nucleotide variant.
Coding change: c.364T>A on transcript NM_001368067.1 (MANE Plus Clinical); coding-DNA position 364, T replaced by A.
Protein change: p.Phe122Ile; replaces phenylalanine 122 with isoleucine.
Molecular consequence: missense variant. On other transcripts: intron variant (5).
Genome position (GRCh38, 1-based): chr10:86,687,088, T>A. VCF-style: chr10-86687088-T-A. GRCh37 (hg19) VCF-style: chr10-88446845-T-A.
Other names: c.364T>A, p.Phe122Ile (NM_001080114.2, NM_001080116.1, NM_001368066.1 and 1 more transcripts); c.709T>A, p.Phe237Ile (NM_001171610.2, NM_001171611.2); c.690-4808T>A (NM_001368064.1, NM_001368063.1, NM_007078.3 and 2 more transcripts); short protein forms F122I, F237I.
Identifiers: ClinVar variation 1010493 (VCV001010493.9), dbSNP rs1845520743, ClinGen allele CA377441371.